The following is an entry in ClinVar:

ClinVar aggregate classification (germline): Uncertain significance (1 of 4 stars; one submission).

Conditions:
Retinoblastoma (RB1). Also called: RETINOBLASTOMA, SOMATIC. Identifiers: Orphanet 790, MedGen C0035335, MeSH D012175, MONDO:0008380, OMIM 180200, HP:0009919. Disease mechanism: loss of function. Inheritance: Both sporadic and heritable forms are tested..

Submission:

Labcorp Genetics (formerly Invitae), Labcorp
Classification: Uncertain significance for Retinoblastoma. Last evaluated: 2024-08-31. Review status: criteria provided, single submitter. Criteria: Invitae Variant Classification Sherloc (09022015). Collection method: clinical testing. Allele origin: germline.
Comment: This sequence change replaces aspartic acid, which is acidic and polar, with glutamic acid, which is acidic and polar, at codon 330 of the RB1 protein (p.Asp330Glu). This variant is not present in population databases (gnomAD no frequency). This variant has not been reported in the literature in individuals affected with RB1-related conditions. ClinVar contains an entry for this variant (Variation ID: 1401043). Invitae Evidence Modeling of protein sequence and biophysical properties (such as structural, functional, and spatial information, amino acid conservation, physicochemical variation, residue mobility, and thermodynamic stability) indicates that this missense variant is not expected to disrupt RB1 protein function with a negative predictive value of 80%. In summary, the available evidence is currently insufficient to determine the role of this variant in disease. Therefore, it has been classified as a Variant of Uncertain Significance.

NM_000321.3(RB1):c.990T>A (p.Asp330Glu)

Gene: RB1 (RB transcriptional corepressor 1; plus strand). Cytogenetic location: 13q14.2.
Variant type: single nucleotide variant.
Coding change: c.990T>A on transcript NM_000321.3 (MANE Select); coding-DNA position 990, T replaced by A.
Protein change: p.Asp330Glu; replaces aspartic acid 330 with glutamic acid.
Molecular consequence: missense variant.
Genome position (GRCh38, 1-based): chr13:48,367,544, T>A. VCF-style: chr13-48367544-T-A. GRCh37 (hg19) VCF-style: chr13-48941680-T-A.
Other names: short protein forms D330E.
Identifiers: ClinVar variation 1401043 (VCV001401043.8), dbSNP rs2138121244, ClinGen allele CA388160739.